The following is an entry in ClinVar:

ClinVar aggregate classification (germline): Uncertain significance (1 of 4 stars; one submission).

Conditions:
Noonan syndrome 9 (NS9). Identifiers: Orphanet 648, MedGen C4225282, MONDO:0014691, OMIM 616559.

Allele frequency attached by ClinVar (database versions not stated): gnomAD exomes below 0.00001; ExAC 0.00001; gnomAD 0.00001; TOPMed 0.00002; ESP Exome Variant Server 0.00008.
gnomAD v4.1: 5 of 1,595,742 alleles (0.00031%); highest among the groups gnomAD compares: Admixed American, 0.0018%; no homozygotes.

Submission:

Labcorp Genetics (formerly Invitae), Labcorp
Classification: Uncertain significance for Noonan syndrome 9. Last evaluated: 2023-08-11. Review status: criteria provided, single submitter. Criteria: Invitae Variant Classification Sherloc (09022015). Collection method: clinical testing. Allele origin: germline.
Comment: This sequence change affects codon 835 of the SOS2 mRNA. It is a 'silent' change, meaning that it does not change the encoded amino acid sequence of the SOS2 protein. It affects a nucleotide within the consensus splice site. This variant is present in population databases (rs377331367, gnomAD 0.0009%). This variant has not been reported in the literature in individuals affected with SOS2-related conditions. Algorithms developed to predict the effect of sequence changes on RNA splicing suggest that this variant is not likely to affect RNA splicing. In summary, the available evidence is currently insufficient to determine the role of this variant in disease. Therefore, it has been classified as a Variant of Uncertain Significance.

NM_006939.4(SOS2):c.2505A>G (p.Lys835=)

Gene: SOS2 (SOS Ras/Rho guanine nucleotide exchange factor 2; minus strand). Cytogenetic location: 14q21.3.
Variant type: single nucleotide variant.
Coding change: c.2505A>G on transcript NM_006939.4 (MANE Select); coding-DNA position 2505, A replaced by G.
Protein change: p.Lys835=; no amino-acid change (lysine 835 retained).
Molecular consequence: synonymous variant.
Genome position (GRCh38, 1-based): chr14:50,145,332, T>C on the plus strand (A>G on the coding strand, the complement: SOS2 is on the minus strand). VCF-style: chr14-50145332-T-C. GRCh37 (hg19) VCF-style: chr14-50612050-T-C.
Other names: c.2406A>G, p.Lys802= (NM_001411020.1).
Identifiers: ClinVar variation 3020422 (VCV003020422.3), dbSNP rs377331367, ClinGen allele CA7177012.